The following is an entry in ClinVar:

ClinVar aggregate classification (germline): Uncertain significance (1 of 4 stars; one submission).

Conditions:
EGFR-related lung cancer (EGFR). Identifiers: MedGen CN130014.

Submission:

Labcorp Genetics (formerly Invitae), Labcorp
Classification: Uncertain significance for EGFR-related lung cancer. Last evaluated: 2024-03-17. Review status: criteria provided, single submitter. Criteria: Invitae Variant Classification Sherloc (09022015). Collection method: clinical testing. Allele origin: germline.
Comment: This sequence change replaces proline, which is neutral and non-polar, with histidine, which is basic and polar, at codon 1073 of the EGFR protein (p.Pro1073His). This variant is not present in population databases (gnomAD no frequency). This variant has not been reported in the literature in individuals affected with EGFR-related conditions. An algorithm developed to predict the effect of missense changes on protein structure and function (PolyPhen-2) suggests that this variant is likely to be disruptive. In summary, the available evidence is currently insufficient to determine the role of this variant in disease. Therefore, it has been classified as a Variant of Uncertain Significance.

NM_005228.5(EGFR):c.3218C>A (p.Pro1073His)

Gene: EGFR (epidermal growth factor receptor; plus strand). Cytogenetic location: 7p11.2.
Variant type: single nucleotide variant.
Coding change: c.3218C>A on transcript NM_005228.5 (MANE Select); coding-DNA position 3218, C replaced by A.
Protein change: p.Pro1073His; replaces proline 1073 with histidine.
Molecular consequence: missense variant.
Genome position (GRCh38, 1-based): chr7:55,202,572, C>A. VCF-style: chr7-55202572-C-A. GRCh37 (hg19) VCF-style: chr7-55270265-C-A.
Other names: c.3083C>A, p.Pro1028His (NM_001346897.2, NM_001346899.2); c.3218C>A, p.Pro1073His (NM_001346898.2); c.3059C>A, p.Pro1020His (NM_001346900.2); c.2417C>A, p.Pro806His (NM_001346941.2); short protein forms P1020H, P1028H, P1073H, P806H.
Identifiers: ClinVar variation 3610789 (VCV003610789.2).